The following is an entry in ClinVar:

NM_153704.6(TMEM67):c.2146C>A (p.Leu716Ile)

Gene: TMEM67 (transmembrane protein 67; plus strand). Cytogenetic location: 8q22.1.
Variant type: single nucleotide variant.
Coding change: c.2146C>A on transcript NM_153704.6 (MANE Select); coding-DNA position 2146, C replaced by A.
Protein change: p.Leu716Ile; replaces leucine 716 with isoleucine.
Molecular consequence: missense variant. On other transcripts: non-coding transcript variant (1).
Genome position (GRCh38, 1-based): chr8:93,799,663, C>A. VCF-style: chr8-93799663-C-A. GRCh37 (hg19) VCF-style: chr8-94811891-C-A.
Other names: c.1903C>A, p.Leu635Ile (NM_001142301.1); short protein forms L635I, L716I.
Identifiers: ClinVar variation 2092297 (VCV002092297.4), dbSNP rs769306844, ClinGen allele CA371695362.

ClinVar aggregate classification (germline): Uncertain significance (1 of 4 stars; one submission).

Conditions:
Joubert syndrome. Also called: CEREBELLOPARENCHYMAL DISORDER IV; JOUBERT-BOLTSHAUSER SYNDROME; Familial aplasia of the vermis. Identifiers: Orphanet 475, MedGen C5979921, MONDO:0018772.
Meckel-Gruber syndrome. Also called: DYSENCEPHALIA SPLANCHNOCYSTICA; GRUBER SYNDROME; Dysencephalia splachnocystica. Identifiers: Orphanet 564, MedGen C0265215, MONDO:0018921.

Submission:

Labcorp Genetics (formerly Invitae), Labcorp
Classification: Uncertain significance for Joubert syndrome; Meckel-Gruber syndrome. Last evaluated: 2022-09-01. Review status: criteria provided, single submitter. Criteria: Invitae Variant Classification Sherloc (09022015). Collection method: clinical testing. Allele origin: germline.
Comment: This sequence change replaces leucine, which is neutral and non-polar, with isoleucine, which is neutral and non-polar, at codon 716 of the TMEM67 protein (p.Leu716Ile). This variant is not present in population databases (gnomAD no frequency). This variant has not been reported in the literature in individuals affected with TMEM67-related conditions. Advanced modeling of protein sequence and biophysical properties (such as structural, functional, and spatial information, amino acid conservation, physicochemical variation, residue mobility, and thermodynamic stability) performed at Invitae indicates that this missense variant is expected to disrupt TMEM67 protein function. In summary, the available evidence is currently insufficient to determine the role of this variant in disease. Therefore, it has been classified as a Variant of Uncertain Significance.